The following is an entry in ClinVar:

NM_172362.3(KCNH1):c.2797C>A (p.Leu933Met)

Gene: KCNH1 (potassium voltage-gated channel subfamily H member 1; minus strand). Cytogenetic location: 1q32.2.
Variant type: single nucleotide variant.
Coding change: c.2797C>A on transcript NM_172362.3 (MANE Select); coding-DNA position 2797, C replaced by A.
Protein change: p.Leu933Met; replaces leucine 933 with methionine.
Molecular consequence: missense variant.
Genome position (GRCh38, 1-based): chr1:210,683,454, G>T on the plus strand (C>A on the coding strand, the complement: KCNH1 is on the minus strand). VCF-style: chr1-210683454-G-T. GRCh37 (hg19) VCF-style: chr1-210856796-G-T.
Other names: c.2797C>A (NM_172362.2); c.2716C>A, p.Leu906Met (NM_002238.4); short protein forms L933M, L906M.
Identifiers: ClinVar variation 2153741 (VCV002153741.5), dbSNP rs753238724, ClinGen allele CA1379585.
Genomic context (GRCh38, chr1:210,683,454, plus strand): 5'-CAGAGAGCTGTTTCTCAATATTGGTCATTTTGGCGTTTAAGGCCTTGATGTCCTCCTTCA[G>T]CTCGTGCCTCACCTCCAGGACTGTGGCCTGCAGCGTCTGCTCAGGGATGGGGTAGAACGA-3'
Protein context (NP_758872.1, residues 923-943): QATVLEVRHE[Leu933Met]KEDIKALNAK

ClinVar aggregate classification (germline): Uncertain significance. Review status: criteria provided, multiple submitters, no conflicts (2 of 4 stars). 2 submissions from 2 submitters: Uncertain significance (2). Last evaluated 2025-11-11.

Conditions:
Inborn genetic diseases. Identifiers: MedGen C0950123, MeSH D030342.

Allele frequency attached by ClinVar (database versions not stated): gnomAD exomes below 0.00001; ExAC 0.00001; gnomAD 0.00001.
gnomAD v4.1: 8 of 1,614,130 alleles (0.0005%); highest among the groups gnomAD compares: South Asian, 0.0088%; no homozygotes.

Submissions (2):

Ambry Genetics
Classification: Uncertain significance for Inborn genetic diseases. Last evaluated: 2025-11-11. Review status: criteria provided, single submitter. Criteria: Ambry Variant Classification Scheme 2023. Collection method: clinical testing. Allele origin: germline.

Labcorp Genetics (formerly Invitae), Labcorp
Classification: Uncertain significance. Last evaluated: 2021-12-28. Review status: criteria provided, single submitter. Criteria: Invitae Variant Classification Sherloc (09022015). Collection method: clinical testing. Allele origin: germline.
Comment: In summary, the available evidence is currently insufficient to determine the role of this variant in disease. Therefore, it has been classified as a Variant of Uncertain Significance. Algorithms developed to predict the effect of missense changes on protein structure and function are either unavailable or do not agree on the potential impact of this missense change (SIFT: "Tolerated"; PolyPhen-2: "Possibly Damaging"; Align-GVGD: "Class C0"). This variant has not been reported in the literature in individuals affected with KCNH1-related conditions. This variant is present in population databases (rs753238724, gnomAD 0.006%). This sequence change replaces leucine, which is neutral and non-polar, with methionine, which is neutral and non-polar, at codon 933 of the KCNH1 protein (p.Leu933Met).